The following is an entry in ClinVar:

NM_003611.3(OFD1):c.2708A>T (p.Glu903Val)

Gene: OFD1 (OFD1 centriole and centriolar satellite protein; plus strand). Cytogenetic location: Xp22.2.
Variant type: single nucleotide variant.
Coding change: c.2708A>T on transcript NM_003611.3 (MANE Select); coding-DNA position 2708, A replaced by T.
Protein change: p.Glu903Val; replaces glutamic acid 903 with valine.
Molecular consequence: missense variant.
Genome position (GRCh38, 1-based): chrX:13,767,235, A>T. VCF-style: chrX-13767235-A-T. GRCh37 (hg19) VCF-style: chrX-13785354-A-T.
Other names: c.2588A>T, p.Glu863Val (NM_001330209.2); c.2288A>T, p.Glu763Val (NM_001330210.2); c.2708A>T (NM_003611.2); short protein forms E763V, E863V, E903V.
Identifiers: ClinVar variation 1631656 (VCV001631656.10), dbSNP rs761100130, ClinGen allele CA10352068.
Genomic context (GRCh38, chrX:13,767,235, plus strand): 5'-GGGAACAGCAAGTGAAAGAACGAAGGCAGAGAGAAGAAAGAAGGCAGAGTAACCTACAAG[A>T]AGTTTTAGAAAGGGAACGAAGAGAACTAGAAAAACTGTATCAGGAAAGGGTAATAAGTAT-3'
Protein context (NP_003602.1, residues 893-913): REERRQSNLQ[Glu903Val]VLERERRELE

ClinVar aggregate classification (germline): Conflicting classifications of pathogenicity. Review status: criteria provided, conflicting classifications (1 of 4 stars). 3 submissions from 3 submitters: Uncertain significance (2); Likely benign (1). Last evaluated 2026-01-23.

Conditions:
Primary ciliary dyskinesia. Also called: Ciliary dyskinesia. Identifiers: Orphanet 244, MedGen C0008780, MONDO:0016575, HP:0012265.
Joubert syndrome. Also called: Familial aplasia of the vermis; JOUBERT-BOLTSHAUSER SYNDROME. Identifiers: Orphanet 475, MedGen C5979921, MONDO:0018772.
Orofaciodigital syndrome I (OFD1). Also called: Oral-Facial-Digital Syndrome Type I; OFDS I; Papillon-Leage and Psaume Syndrome. Identifiers: Orphanet 2750, MedGen C1510460, MONDO:0010702, OMIM 311200.

Allele frequency attached by ClinVar (database versions not stated): ExAC 0.00001; gnomAD exomes 0.00001; gnomAD 0.00003; TOPMed 0.00004.
gnomAD v4.1: 138 of 1,209,473 alleles (0.011%); highest among the groups gnomAD compares: Non-Finnish European, 0.015%; no homozygotes.

Submissions (3):

Labcorp Genetics (formerly Invitae), Labcorp
Classification: Likely benign for Orofaciodigital syndrome I; Joubert syndrome. Last evaluated: 2026-01-23. Review status: criteria provided, single submitter. Criteria: Invitae Variant Classification Sherloc (09022015). Collection method: clinical testing. Allele origin: germline.

Ambry Genetics
Classification: Uncertain significance for Primary ciliary dyskinesia. Last evaluated: 2024-01-27. Review status: criteria provided, single submitter. Criteria: Ambry Variant Classification Scheme 2023. Collection method: clinical testing. Allele origin: germline.
Comment: The p.E903V variant (also known as c.2708A>T), located in coding exon 20 of the OFD1 gene, results from an A to T substitution at nucleotide position 2708. The glutamic acid at codon 903 is replaced by valine, an amino acid with dissimilar properties. This amino acid position is conserved. In addition, the in silico prediction for this alteration is inconclusive. Based on the available evidence, the clinical significance of this alteration remains unclear.

Blueprint Genetics
Classification: Uncertain significance. Last evaluated: 2020-07-02. Review status: criteria provided, single submitter. Criteria: ACMG Guidelines, 2015. Collection method: clinical testing. Allele origin: germline.